The following is an entry in ClinVar:

NM_001365536.1(SCN9A):c.205G>C (p.Gly69Arg)

Gene: SCN9A (sodium voltage-gated channel alpha subunit 9; minus strand). Cytogenetic location: 2q24.3.
Variant type: single nucleotide variant.
Coding change: c.205G>C on transcript NM_001365536.1 (MANE Select); coding-DNA position 205, G replaced by C.
Protein change: p.Gly69Arg; replaces glycine 69 with arginine.
Molecular consequence: missense variant.
Genome position (GRCh38, 1-based): chr2:166,311,552, C>G on the plus strand (G>C on the coding strand, the complement: SCN9A is on the minus strand). VCF-style: chr2-166311552-C-G. GRCh37 (hg19) VCF-style: chr2-167168062-C-G.
Other names: c.205G>C, p.Gly69Arg (NM_002977.4); short protein forms G69R.
Identifiers: ClinVar variation 4783241 (VCV004783241.1).

ClinVar aggregate classification (germline): Uncertain significance (1 of 4 stars; one submission).

Conditions:
Neuropathy, hereditary sensory and autonomic, type 2A (HSAN2A). Also called: ACROOSTEOLYSIS, GIACCAI TYPE; ACROOSTEOLYSIS, NEUROGENIC; WNK1-Related HSAN2 (HSAN2A); NEUROPATHY, HEREDITARY SENSORY RADICULAR, AUTOSOMAL RECESSIVE; MORVAN DISEASE; NEUROPATHY, CONGENITAL SENSORY. Identifiers: Orphanet 970, MedGen C2752089, MONDO:0024309, OMIM 201300.
Generalized epilepsy with febrile seizures plus, type 7 (GEFSP7). Also called: GEFS+, TYPE 7. Identifiers: Orphanet 36387, MedGen C2751778, MONDO:0013470, OMIM 613863.

gnomAD v4.1: 3 of 1,612,566 alleles (0.00019%); highest among the groups gnomAD compares: Non-Finnish European, 0.00025%; no homozygotes.

Submission:

Labcorp Genetics (formerly Invitae), Labcorp
Classification: Uncertain significance for Neuropathy, hereditary sensory and autonomic, type 2A; Generalized epilepsy with febrile seizures plus, type 7. Last evaluated: 2025-05-04. Review status: criteria provided, single submitter. Criteria: Invitae Variant Classification Sherloc (09022015). Collection method: clinical testing. Allele origin: germline.
Comment: This sequence change replaces glycine, which is neutral and non-polar, with arginine, which is basic and polar, at codon 69 of the SCN9A protein (p.Gly69Arg). This variant is not present in population databases (gnomAD no frequency). This variant has not been reported in the literature in individuals affected with SCN9A-related conditions. Invitae Evidence Modeling of protein sequence and biophysical properties (such as structural, functional, and spatial information, amino acid conservation, physicochemical variation, residue mobility, and thermodynamic stability) indicates that this missense variant is not expected to disrupt SCN9A protein function with a negative predictive value of 95%. In summary, the available evidence is currently insufficient to determine the role of this variant in disease. Therefore, it has been classified as a Variant of Uncertain Significance.